The following is an entry in ClinVar:

ClinVar aggregate classification (germline): Uncertain significance (1 of 4 stars; one submission).

Submission:

Labcorp Genetics (formerly Invitae), Labcorp
Classification: Uncertain significance. Last evaluated: 2023-03-13. Review status: criteria provided, single submitter. Criteria: Invitae Variant Classification Sherloc (09022015). Collection method: clinical testing. Allele origin: unknown.
Comment: In summary, the available evidence is currently insufficient to determine the role of this variant in disease. Therefore, it has been classified as a Variant of Uncertain Significance. This variant has not been reported in the literature in individuals affected with PNLIP-related conditions. This variant results in the deletion of part of exon 5 (c.438_459+1158del) of the PNLIP gene. It is expected to disrupt RNA splicing. Variants that disrupt the donor or acceptor splice site typically lead to a loss of protein function (PMID: 16199547), however the current clinical and genetic evidence is not sufficient to establish whether loss-of-function variants in PNLIP cause disease.

Literature cited by the submitters: PubMed 16199547.

NC_000010.10:g.(?_118310723)_(118311902_?)del

Gene: PNLIP (pancreatic lipase; plus strand). Cytogenetic location: 10q25.3.
Variant type: Deletion.
Identifiers: ClinVar variation 3244952 (VCV003244952.1).